The following is an entry in ClinVar:

NM_000051.4(ATM):c.496+1G>C

Gene: ATM (ATM serine/threonine kinase; plus strand). Cytogenetic location: 11q22.3.
Variant type: single nucleotide variant.
Coding change: c.496+1G>C on transcript NM_000051.4 (MANE Select); the canonical splice donor site of the intron after coding-DNA position 496, G replaced by C.
Molecular consequence: splice donor variant.
Genome position (GRCh38, 1-based): chr11:108,235,835, G>C. VCF-style: chr11-108235835-G-C. GRCh37 (hg19) VCF-style: chr11-108106562-G-C.
Other names: c.496+1G>C (NM_001351834.2).
Identifiers: ClinVar variation 927616 (VCV000927616.17), dbSNP rs876658500, ClinGen allele CA382525789.
Genomic context (GRCh38, chr11:108,235,835, plus strand): 5'-TCAAAGACATTCTTTCTGTGAGAAAATACTGGTGTGAAATATCTCAGCAACAGTGGTTAG[G>C]TATGTTTTGAAGGTTGTTGTTTGTGAATTTTTCCTCATGAAATGAAACTTCACCAAAGAA-3'

ClinVar aggregate classification (germline): Likely pathogenic. Review status: criteria provided, multiple submitters, no conflicts (2 of 4 stars). 4 submissions from 4 submitters: Likely pathogenic (3). 1 of the submissions does not count toward it. Last evaluated 2025-02-05.

Conditions:
Hereditary cancer-predisposing syndrome. Also called: Tumor predisposition; Hereditary neoplastic syndrome; Neoplastic Syndromes, Hereditary; Hereditary Cancer Syndrome. Identifiers: Orphanet 140162, MedGen C0027672, MeSH D009386, MONDO:0015356.
Ataxia-telangiectasia syndrome (AT). Also called: Ataxia-telangiectasia, complementation group D; Cerebello-oculocutaneous telangiectasia; Immunodeficiency with ataxia telangiectasia; LOUIS-BAR SYNDROME; Ataxia-telangiectasia; AT, COMPLEMENTATION GROUP C. Identifiers: Orphanet 100, MedGen C0004135, MONDO:0008840, OMIM 208900.

Allele frequency attached by ClinVar (database versions not stated): gnomAD exomes below 0.00001.
gnomAD v4.1: 1 of 1,613,734 alleles (0.000062%); highest among the groups gnomAD compares: Non-Finnish European, 0.000085%; no homozygotes.

Submissions (4):

Labcorp Genetics (formerly Invitae), Labcorp
Classification: Likely pathogenic for Ataxia-telangiectasia syndrome. Last evaluated: 2025-02-05. Review status: criteria provided, single submitter. Criteria: Invitae Variant Classification Sherloc (09022015). Collection method: clinical testing. Allele origin: germline.
Comment: This sequence change affects a donor splice site in intron 5 of the ATM gene. It is expected to disrupt RNA splicing. Variants that disrupt the donor or acceptor splice site typically lead to a loss of protein function (PMID: 16199547), and loss-of-function variants in ATM are known to be pathogenic (PMID: 23807571, 25614872). This variant is not present in population databases (gnomAD no frequency). This variant has not been reported in the literature in individuals affected with ATM-related conditions. ClinVar contains an entry for this variant (Variation ID: 927616). Algorithms developed to predict the effect of sequence changes on RNA splicing suggest that this variant may disrupt the consensus splice site. In summary, the currently available evidence indicates that the variant is pathogenic, but additional data are needed to prove that conclusively. Therefore, this variant has been classified as Likely Pathogenic.

Ambry Genetics
Classification: Likely pathogenic for Hereditary cancer-predisposing syndrome. Last evaluated: 2024-01-19. Review status: criteria provided, single submitter. Criteria: Ambry Variant Classification Scheme 2023. Collection method: clinical testing. Allele origin: germline.
Comment: The c.496+1G>C intronic variant results from a G to C substitution one nucleotide after coding exon 4 of the ATM gene. This variant is considered to be rare based on population cohorts in the Genome Aggregation Database (gnomAD). This nucleotide position is highly conserved in available vertebrate species. In silico splice site analysis predicts that this alteration will weaken the native splice donor site; however, direct evidence is insufficient at this time (Ambry internal data). Alterations that disrupt the canonical splice site are expected to cause aberrant splicing, resulting in an abnormal protein or a transcript that is subject to nonsense-mediated mRNA decay. As such, this alteration is classified as likely pathogenic.

Color Diagnostics, LLC DBA Color Health
Classification: Likely pathogenic for Hereditary cancer-predisposing syndrome. Last evaluated: 2021-10-04. Review status: criteria provided, single submitter. Criteria: ACMG Guidelines, 2015. Collection method: clinical testing. Allele origin: germline.
Comment: This variant causes a G to C nucleotide substitution at the +1 position of intron 5 of the ATM gene. Splice site prediction tools predict that this variant may have a significant impact on RNA splicing. Although this prediction has not been confirmed in published RNA studies, this variant is expected to result in an absent or disrupted protein product. This variant has not been reported in individuals affected with hereditary cancer in the literature. This variant has not been identified in the general population by the Genome Aggregation Database (gnomAD). Loss of ATM function is a known mechanism of disease. Based on the available evidence, this variant is classified as Likely Pathogenic.

Natera, Inc.
Classification: Likely pathogenic for Ataxia-telangiectasia. Last evaluated: 2020-02-24. Review status: no assertion criteria provided. Collection method: clinical testing. Allele origin: germline. Not counted in ClinVar's aggregate classification.

Literature cited by the submitters: PubMed 16199547 (cited by Labcorp Genetics (formerly Invitae), Labcorp); PubMed 23807571 (cited by Labcorp Genetics (formerly Invitae), Labcorp); PubMed 25614872 (cited by Labcorp Genetics (formerly Invitae), Labcorp).